The following is an entry in ClinVar:

NM_001035.3(RYR2):c.12385T>G (p.Phe4129Val)

Gene: RYR2 (ryanodine receptor 2; plus strand). Cytogenetic location: 1q43.
Variant type: single nucleotide variant.
Coding change: c.12385T>G on transcript NM_001035.3 (MANE Select); coding-DNA position 12385, T replaced by G.
Protein change: p.Phe4129Val; replaces phenylalanine 4129 with valine.
Molecular consequence: missense variant.
Genome position (GRCh38, 1-based): chr1:237,784,097, T>G. VCF-style: chr1-237784097-T-G. GRCh37 (hg19) VCF-style: chr1-237947397-T-G.
Other names: short protein forms F4129V.
Identifiers: ClinVar variation 954044 (VCV000954044.11), dbSNP rs1573934226, ClinGen allele CA345413101.

ClinVar aggregate classification (germline): Uncertain significance (1 of 4 stars; one submission).

Conditions:
Catecholaminergic polymorphic ventricular tachycardia 1. Also called: VENTRICULAR TACHYCARDIA, STRESS-INDUCED POLYMORPHIC 1; RYR2-Related Catecholaminergic Polymorphic Ventricular Tachycardia; VENTRICULAR TACHYCARDIA, CATECHOLAMINERGIC POLYMORPHIC, 1, WITH OR WITHOUT ATRIAL DYSFUNCTION AND/OR DILATED CARDIOMYOPATHY. Identifiers: Orphanet 3286, MedGen C1631597, MONDO:0011484, OMIM 604772.

Submission:

Labcorp Genetics (formerly Invitae), Labcorp
Classification: Uncertain significance for Catecholaminergic polymorphic ventricular tachycardia 1. Last evaluated: 2025-08-11. Review status: criteria provided, single submitter. Criteria: Invitae Variant Classification Sherloc (09022015). Collection method: clinical testing. Allele origin: germline.
Comment: This sequence change replaces phenylalanine, which is neutral and non-polar, with valine, which is neutral and non-polar, at codon 4129 of the RYR2 protein (p.Phe4129Val). This variant is not present in population databases (gnomAD no frequency). This variant has not been reported in the literature in individuals affected with RYR2-related conditions. ClinVar contains an entry for this variant (Variation ID: 954044). Invitae Evidence Modeling of protein sequence and biophysical properties (such as structural, functional, and spatial information, amino acid conservation, physicochemical variation, residue mobility, and thermodynamic stability) indicates that this missense variant is expected to disrupt RYR2 protein function with a positive predictive value of 95%. In summary, the available evidence is currently insufficient to determine the role of this variant in disease. Therefore, it has been classified as a Variant of Uncertain Significance.